The following is an entry in ClinVar:

ClinVar aggregate classification (germline): Benign. Review status: criteria provided, multiple submitters, no conflicts (2 of 4 stars). 3 submissions from 3 submitters: Benign (3). Last evaluated 2018-12-31.

Conditions:
Cranioectodermal dysplasia 1 (CED1). Also called: LEVIN SYNDROME I. Identifiers: Orphanet 1515, MedGen C0432235, MONDO:0021093, OMIM 218330.

Allele frequency attached by ClinVar (database versions not stated): 1000 Genomes Project 0.03175; gnomAD exomes 0.00337; gnomAD 0.02473 and 0.02635; TOPMed 0.02856; 1000 Genomes Project 30x 0.03451.

Submissions (3):

GeneDx
Classification: Benign. Last evaluated: 2018-12-31. Review status: criteria provided, single submitter. Criteria: GeneDx Variant Classification Process June 2021. Collection method: clinical testing. Allele origin: germline. Affected: yes.

Illumina Laboratory Services, Illumina
Classification: Benign for Cranioectodermal dysplasia 1. Last evaluated: 2018-01-13. Review status: criteria provided, single submitter. Criteria: ICSL Variant Classification Criteria 13 December 2019. Collection method: clinical testing. Allele origin: germline.
Comment: This variant was observed in the ICSL laboratory as part of a predisposition screen in an ostensibly healthy population. It had not been previously curated by ICSL or reported in the Human Gene Mutation Database (HGMD: prior to June 1st, 2018), and was therefore a candidate for classification through an automated scoring system. Utilizing variant allele frequency, disease prevalence and penetrance estimates, and inheritance mode, an automated score was calculated to assess if this variant is too frequent to cause the disease. Based on the score and internal cut-off values, a variant classified as benign is not then subjected to further curation. The score for this variant resulted in a classification of benign for this disease.

Breakthrough Genomics
Classification: Benign. Review status: criteria provided, single submitter. Criteria: ACMG Guidelines, 2015. Collection method: not provided. Allele origin: germline. Inheritance: Autosomal recessive inheritance. Affected: yes.

NM_052985.3(IFT122):c.-206A>G

Gene: IFT122 (intraflagellar transport 122; plus strand). Cytogenetic location: 3q21.3.
Variant type: single nucleotide variant.
Coding change: c.-206A>G on transcript NM_052985.3; 206 bases upstream of the start codon, A replaced by G.
Genome position (GRCh38, 1-based): chr3:129,440,125, A>G. VCF-style: chr3-129440125-A-G. GRCh37 (hg19) VCF-style: chr3-129158968-A-G.
Identifiers: ClinVar variation 343226 (VCV000343226.10), dbSNP rs3138334, ClinGen allele CA10617191.